The following is an entry in ClinVar:

NM_177438.3(DICER1):c.5027G>C (p.Arg1676Thr)

Gene: DICER1 (dicer 1, ribonuclease III; minus strand). Cytogenetic location: 14q32.13.
Variant type: single nucleotide variant.
Coding change: c.5027G>C on transcript NM_177438.3 (MANE Select); coding-DNA position 5027, G replaced by C.
Protein change: p.Arg1676Thr; replaces arginine 1676 with threonine.
Molecular consequence: missense variant.
Genome position (GRCh38, 1-based): chr14:95,095,893, C>G on the plus strand (G>C on the coding strand, the complement: DICER1 is on the minus strand). VCF-style: chr14-95095893-C-G. GRCh37 (hg19) VCF-style: chr14-95562230-C-G.
Other names: c.5027G>C, p.Arg1676Thr (NM_001195573.1, NM_001271282.3, NM_001291628.2 and 1 more transcripts); short protein forms R1676T.
Identifiers: ClinVar variation 483415 (VCV000483415.18), dbSNP rs375465466, ClinGen allele CA7330757.

ClinVar aggregate classification (germline): Uncertain significance. Review status: criteria provided, multiple submitters, no conflicts (2 of 4 stars). 4 submissions from 4 submitters: Uncertain significance (4). Last evaluated 2026-01-14.

Conditions:
DICER1-related tumor predisposition. Also called: DICER1-related pleuropulmonary blastoma cancer predisposition syndrome; DICER1 syndrome. Identifiers: Orphanet 284343, MedGen C3839822, MONDO:0100216.
Global developmental delay - lung cysts - overgrowth - Wilms tumor syndrome. Also called: GLOBAL DEVELOPMENTAL DELAY, LUNG CYSTS, OVERGROWTH, AND WILMS TUMOR; GLOW Syndrome. Identifiers: Orphanet 404476, MedGen C4748924, MONDO:0018445, OMIM 618272.
Hereditary cancer-predisposing syndrome. Also called: Hereditary neoplastic syndrome; Neoplastic Syndromes, Hereditary; Tumor predisposition; Hereditary Cancer Syndrome. Identifiers: Orphanet 140162, MedGen C0027672, MeSH D009386, MONDO:0015356.

Allele frequency attached by ClinVar (database versions not stated): gnomAD 0.00001; TOPMed 0.00001; ExAC 0.00002; ESP Exome Variant Server 0.00008.
gnomAD v4.1: 4 of 1,614,008 alleles (0.00025%); highest among the groups gnomAD compares: Middle Eastern, 0.016%; no homozygotes.

Submissions (4):

Labcorp Genetics (formerly Invitae), Labcorp
Classification: Uncertain significance for DICER1-related tumor predisposition. Last evaluated: 2026-01-14. Review status: criteria provided, single submitter. Criteria: Invitae Variant Classification Sherloc (09022015). Collection method: clinical testing. Allele origin: germline.
Comment: This sequence change replaces arginine, which is basic and polar, with threonine, which is neutral and polar, at codon 1676 of the DICER1 protein (p.Arg1676Thr). This variant is present in population databases (rs375465466, gnomAD 0.002%). This variant has not been reported in the literature in individuals affected with DICER1-related conditions. ClinVar contains an entry for this variant (Variation ID: 483415). Invitae Evidence Modeling of protein sequence and biophysical properties (such as structural, functional, and spatial information, amino acid conservation, physicochemical variation, residue mobility, and thermodynamic stability) indicates that this missense variant is not expected to disrupt DICER1 protein function with a negative predictive value of 95%. In summary, the available evidence is currently insufficient to determine the role of this variant in disease. Therefore, it has been classified as a Variant of Uncertain Significance.

Ambry Genetics
Classification: Uncertain significance for Hereditary cancer-predisposing syndrome. Last evaluated: 2024-07-27. Review status: criteria provided, single submitter. Criteria: Ambry Variant Classification Scheme 2023. Collection method: clinical testing. Allele origin: germline.
Comment: The p.R1676T variant (also known as c.5027G>C), located in coding exon 22 of the DICER1 gene, results from a G to C substitution at nucleotide position 5027. The arginine at codon 1676 is replaced by threonine, an amino acid with similar properties. This amino acid position is not well conserved in available vertebrate species. In addition, this alteration is predicted to be tolerated by in silico analysis. Since supporting evidence is limited at this time, the clinical significance of this alteration remains unclear.

Quest Diagnostics Nichols Institute San Juan Capistrano
Classification: Uncertain significance. Last evaluated: 2024-05-31. Review status: criteria provided, single submitter. Criteria: Quest Diagnostics criteria. Collection method: clinical testing. Allele origin: unknown.
Comment: The DICER1 c.5027G>C (p.Arg1676Thr) variant has not been reported in individuals with DICER1-related conditions in the published literature. The frequency of this variant in the general population, 0.000004 (1/251364 chromosomes (Genome Aggregation Database)), is uninformative in the assessment of its pathogenicity. Analysis of this variant using bioinformatics tools for the prediction of the effect of amino acid changes on protein structure and function yielded predictions that this variant is benign. Based on the available information, we are unable to determine the clinical significance of this variant.

Baylor Genetics
Classification: Uncertain significance for Global developmental delay - lung cysts - overgrowth - Wilms tumor syndrome. Last evaluated: 2023-09-18. Review status: criteria provided, single submitter. Criteria: ACMG Guidelines, 2015. Collection method: clinical testing. Allele origin: unknown.